The following is an entry in ClinVar:

NM_001371928.1(AHDC1):c.589C>T (p.Leu197Phe)

Gene: AHDC1 (AT-hook DNA binding motif containing 1; minus strand). Cytogenetic location: 1p36.11.
Variant type: single nucleotide variant.
Coding change: c.589C>T on transcript NM_001371928.1 (MANE Select); coding-DNA position 589, C replaced by T.
Protein change: p.Leu197Phe; replaces leucine 197 with phenylalanine.
Molecular consequence: missense variant.
Genome position (GRCh38, 1-based): chr1:27,551,527, G>A on the plus strand (C>T on the coding strand, the complement: AHDC1 is on the minus strand). VCF-style: chr1-27551527-G-A. GRCh37 (hg19) VCF-style: chr1-27878038-G-A.
Other names: c.589C>T, p.Leu197Phe (NM_001029882.3); short protein forms L197F.
Identifiers: ClinVar variation 3843766 (VCV003843766.2).
Genomic context (GRCh38, chr1:27,551,527, plus strand): 5'-CGGGACTATGGCCTTGGCCAGGCTGGGGACTGTCCCTAGGCTCAGGCTCAGGCTCGTAGA[G>A]GGGATGGCTGGGCCGCTCCGACTTGGCGTGTGGGGTGGCCCGCTCCTCAGGGCTACGGAT-3'
Protein context (NP_001358857.1, residues 187-207): HAKSERPSHP[Leu197Phe]YEPEPEPRDS

ClinVar aggregate classification (germline): Uncertain significance. Review status: criteria provided, multiple submitters, no conflicts (2 of 4 stars). 2 submissions from 2 submitters: Uncertain significance (2). Last evaluated 2025-09-01.

Conditions:
Inborn genetic diseases. Identifiers: MedGen C0950123, MeSH D030342.

gnomAD v4.1: 4 of 1,604,718 alleles (0.00025%); highest among the groups gnomAD compares: Admixed American, 0.0033%; no homozygotes.

Submissions (2):

Labcorp Genetics (formerly Invitae), Labcorp
Classification: Uncertain significance. Last evaluated: 2025-09-01. Review status: criteria provided, single submitter. Criteria: Invitae Variant Classification Sherloc (09022015). Collection method: clinical testing. Allele origin: germline.
Comment: This sequence change replaces leucine, which is neutral and non-polar, with phenylalanine, which is neutral and non-polar, at codon 197 of the AHDC1 protein (p.Leu197Phe). This variant is present in population databases (rs367559504, gnomAD 0.006%). This variant has not been reported in the literature in individuals affected with AHDC1-related conditions. ClinVar contains an entry for this variant (Variation ID: 3843766). An algorithm developed to predict the effect of missense changes on protein structure and function (PolyPhen-2) suggests that this variant is likely to be disruptive. In summary, the available evidence is currently insufficient to determine the role of this variant in disease. Therefore, it has been classified as a Variant of Uncertain Significance.

Ambry Genetics
Classification: Uncertain significance for Inborn genetic diseases. Last evaluated: 2025-02-12. Review status: criteria provided, single submitter. Criteria: Ambry Variant Classification Scheme 2023. Collection method: clinical testing. Allele origin: germline.